The following is an entry in ClinVar:

NM_005245.4(FAT1):c.5821A>G (p.Thr1941Ala)

Gene: FAT1 (FAT atypical cadherin 1; minus strand). Cytogenetic location: 4q35.2.
Variant type: single nucleotide variant.
Coding change: c.5821A>G on transcript NM_005245.4 (MANE Select); coding-DNA position 5821, A replaced by G.
Protein change: p.Thr1941Ala; replaces threonine 1941 with alanine.
Molecular consequence: missense variant.
Genome position (GRCh38, 1-based): chr4:186,620,765, T>C on the plus strand (A>G on the coding strand, the complement: FAT1 is on the minus strand). VCF-style: chr4-186620765-T-C. GRCh37 (hg19) VCF-style: chr4-187541919-T-C.
Other names: short protein forms T1941A.
Identifiers: ClinVar variation 3093071 (VCV003093071.2), dbSNP rs552586881, ClinGen allele CA3166378.

ClinVar aggregate classification (germline): Uncertain significance. Review status: criteria provided, multiple submitters, no conflicts (2 of 4 stars). 2 submissions from 2 submitters: Uncertain significance (2). Last evaluated 2025-01-07.

Conditions:
Inborn genetic diseases. Identifiers: MedGen C0950123, MeSH D030342.

Allele frequency attached by ClinVar (database versions not stated): gnomAD exomes 0.00002; gnomAD 0.00005; TOPMed 0.00007; ExAC 0.00011; 1000 Genomes Project 30x 0.00031; 1000 Genomes Project 0.00020.
gnomAD v4.1: 31 of 1,614,048 alleles (0.0019%); highest among the groups gnomAD compares: East Asian, 0.069%; no homozygotes.

Submissions (2):

GeneDx
Classification: Uncertain significance. Last evaluated: 2025-01-07. Review status: criteria provided, single submitter. Criteria: GeneDx Variant Classification Process June 2021. Collection method: clinical testing. Allele origin: germline. Affected: yes.
Comment: In silico analysis indicates that this missense variant does not alter protein structure/function; Has not been previously published as pathogenic or benign to our knowledge

Ambry Genetics
Classification: Uncertain significance for Inborn genetic diseases. Last evaluated: 2023-10-20. Review status: criteria provided, single submitter. Criteria: Ambry Variant Classification Scheme 2023. Collection method: clinical testing. Allele origin: germline.